The following is an entry in ClinVar:

NM_178817.4(MRAP):c.-67C>T

Gene: MRAP (melanocortin 2 receptor accessory protein; plus strand). Cytogenetic location: 21q22.11.
Variant type: single nucleotide variant.
Coding change: c.-67C>T on transcript NM_178817.4; 67 bases upstream of the start codon, C replaced by T.
Molecular consequence: 5 prime UTR variant.
Genome position (GRCh38, 1-based): chr21:32,293,076, C>T. VCF-style: chr21-32293076-C-T. GRCh37 (hg19) VCF-style: chr21-33665387-C-T.
Other names: c.-128C>T (NM_001285394.2); c.-67C>T (NM_206898.2).
Identifiers: ClinVar variation 895070 (VCV000895070.6), dbSNP rs180872414, ClinGen allele CA319391626.

ClinVar aggregate classification (germline): Likely benign (1 of 4 stars; one submission).

Conditions:
Glucocorticoid deficiency 2 (GCCD2). Also called: FAMILIAL GLUCOCORTICOID DEFICIENCY 2. Identifiers: Orphanet 361, MedGen C4049714, MONDO:0011826, OMIM 607398.

Allele frequency attached by ClinVar (database versions not stated): 1000 Genomes Project 30x 0.00062; gnomAD 0.00011; TOPMed 0.00012; 1000 Genomes Project 0.00040.

Submission:

Illumina Laboratory Services, Illumina
Classification: Likely benign for Glucocorticoid deficiency 2. Last evaluated: 2018-01-13. Review status: criteria provided, single submitter. Criteria: ICSL Variant Classification Criteria 13 December 2019. Collection method: clinical testing. Allele origin: germline.
Comment: This variant was observed in the ICSL laboratory as part of a predisposition screen in an ostensibly healthy population. It had not been previously curated by ICSL or reported in the Human Gene Mutation Database (HGMD: prior to June 1st, 2018), and was therefore a candidate for classification through an automated scoring system. Utilizing variant allele frequency, disease prevalence and penetrance estimates, and inheritance mode, an automated score was calculated to assess if this variant is too frequent to cause the disease. Based on the score and internal cut-off values, a variant classified as likely benign is not then subjected to further curation. The score for this variant resulted in a classification of likely benign for this disease.